The following is an entry in ClinVar:

NM_024854.5(PYROXD1):c.166-2A>G

Gene: PYROXD1 (pyridine nucleotide-disulphide oxidoreductase domain 1; plus strand). Cytogenetic location: 12p12.1.
Variant type: single nucleotide variant.
Coding change: c.166-2A>G on transcript NM_024854.5 (MANE Select); the canonical splice acceptor site of the intron before coding-DNA position 166, A replaced by G.
Molecular consequence: splice acceptor variant.
Genome position (GRCh38, 1-based): chr12:21,445,345, A>G. VCF-style: chr12-21445345-A-G. GRCh37 (hg19) VCF-style: chr12-21598279-A-G.
Other names: c.-538-2A>G (NM_001350913.2); c.-48-2A>G (NM_001350912.2).
Identifiers: ClinVar variation 3621859 (VCV003621859.2).

ClinVar aggregate classification (germline): Likely pathogenic (1 of 4 stars; one submission).

gnomAD v4.1: 11 of 1,587,018 alleles (0.00069%); highest among the groups gnomAD compares: African/African-American, 0.0027%; no homozygotes.

Submission:

Labcorp Genetics (formerly Invitae), Labcorp
Classification: Likely pathogenic. Last evaluated: 2024-01-25. Review status: criteria provided, single submitter. Criteria: Invitae Variant Classification Sherloc (09022015). Collection method: clinical testing. Allele origin: germline.
Comment: This sequence change affects an acceptor splice site in intron 2 of the PYROXD1 gene. It is expected to disrupt RNA splicing. Variants that disrupt the donor or acceptor splice site typically lead to a loss of protein function (PMID: 16199547), and loss-of-function variants in PYROXD1 are known to be pathogenic (PMID: 27745833). This variant is not present in population databases (gnomAD no frequency). This variant has not been reported in the literature in individuals affected with PYROXD1-related conditions. Algorithms developed to predict the effect of sequence changes on RNA splicing suggest that this variant may disrupt the consensus splice site. In summary, the currently available evidence indicates that the variant is pathogenic, but additional data are needed to prove that conclusively. Therefore, this variant has been classified as Likely Pathogenic.

Literature cited by the submitters: PubMed 16199547; PubMed 27745833.